The following is an entry in ClinVar:

NM_001351132.2(PEX5):c.91C>T (p.Arg31Trp)

Gene: PEX5 (peroxisomal biogenesis factor 5; plus strand). Cytogenetic location: 12p13.31.
Variant type: single nucleotide variant.
Coding change: c.91C>T on transcript NM_001351132.2 (MANE Select); coding-DNA position 91, C replaced by T.
Protein change: p.Arg31Trp; replaces arginine 31 with tryptophan.
Molecular consequence: missense variant.
Genome position (GRCh38, 1-based): chr12:7,190,468, C>T. VCF-style: chr12-7190468-C-T. GRCh37 (hg19) VCF-style: chr12-7343064-C-T.
Other names: c.91C>T, p.Arg31Trp (NM_000319.5, NM_001131023.2, NM_001131024.2 and 22 more transcripts); short protein forms R31W.
Identifiers: ClinVar variation 1485279 (VCV001485279.3), dbSNP rs767406855, ClinGen allele CA6425989.
Genomic context (GRCh38, chr12:7,190,468, plus strand): 5'-TGCGGGGGTGCCAACCCGCTCATGAAGCTCGCCGGGCACTTCACCCAGGACAAGGCCCTT[C>T]GGCAGGAGGGATTGAGGCCTGGCCCCTGGCCCCCCGGAGCCCCGGCCTCTGAGGCAGTGA-3'
Protein context (NP_001338061.1, residues 21-41): AGHFTQDKAL[Arg31Trp]QEGLRPGPWP

ClinVar aggregate classification (germline): Uncertain significance (1 of 4 stars; one submission).

Conditions:
Peroxisome biogenesis disorder 2B (PBD2B). Identifiers: Orphanet 44, MedGen C3550234, MONDO:0008736, OMIM 202370.

Allele frequency attached by ClinVar (database versions not stated): gnomAD exomes below 0.00001; ExAC 0.00001; gnomAD 0.00001; 1000 Genomes Project 30x 0.00016.

Submission:

Labcorp Genetics (formerly Invitae), Labcorp
Classification: Uncertain significance for Peroxisome biogenesis disorder 2B. Last evaluated: 2021-09-21. Review status: criteria provided, single submitter. Criteria: Invitae Variant Classification Sherloc (09022015). Collection method: clinical testing. Allele origin: germline.
Comment: This sequence change replaces arginine with tryptophan at codon 31 of the PEX5 protein (p.Arg31Trp). The arginine residue is weakly conserved and there is a moderate physicochemical difference between arginine and tryptophan. The frequency data for this variant in the population databases is considered unreliable, as metrics indicate poor data quality at this position in the ExAC database. This variant has not been reported in the literature in individuals affected with PEX5-related conditions. Algorithms developed to predict the effect of missense changes on protein structure and function (SIFT, PolyPhen-2, Align-GVGD) all suggest that this variant is likely to be tolerated. In summary, the available evidence is currently insufficient to determine the role of this variant in disease. Therefore, it has been classified as a Variant of Uncertain Significance.